The following is an entry in ClinVar:

NM_000860.6(HPGD):c.*1643A>G

Gene: HPGD (15-hydroxyprostaglandin dehydrogenase; minus strand). Cytogenetic location: 4q34.1.
Variant type: single nucleotide variant.
Coding change: c.*1643A>G on transcript NM_000860.6 (MANE Select); 1643 bases downstream of the stop codon, A replaced by G.
Molecular consequence: 3 prime UTR variant.
Genome position (GRCh38, 1-based): chr4:174,490,313, T>C on the plus strand (A>G on the coding strand, the complement: HPGD is on the minus strand). VCF-style: chr4-174490313-T-C. GRCh37 (hg19) VCF-style: chr4-175411464-T-C.
Other names: c.*1743A>G (NM_001145816.3); c.*1643A>G (NM_001256301.1, NM_001256306.2, NM_001256307.2); c.*1771A>G (NM_001256305.2).
Identifiers: ClinVar variation 899799 (VCV000899799.4), dbSNP rs191760831, ClinGen allele CA111125474.

ClinVar aggregate classification (germline): Likely benign. Review status: criteria provided, single submitter (1 of 4 stars). 2 submissions from 1 submitter: Likely benign (2). Last evaluated 2018-01-12.

Conditions:
Isolated congenital digital clubbing. Also called: ACROPACHY, HEREDITARY; CLUBBING OF DIGITS. Identifiers: Orphanet 217059, MedGen C0345408, MONDO:0007343, OMIM 119900.
Hypertrophic osteoarthropathy, primary, autosomal recessive, 1 (PHOAR1). Also called: PHO, AUTOSOMAL RECESSIVE. Identifiers: Orphanet 1525, Orphanet 2796, MedGen C4551679, MONDO:0024546, OMIM 259100.

Allele frequency attached by ClinVar (database versions not stated): 1000 Genomes Project 0.00140; 1000 Genomes Project 30x 0.00187; gnomAD 0.00234 and 0.00242; TOPMed 0.00240.

Submissions (2):

Illumina Laboratory Services, Illumina
Classification: Likely benign for Isolated congenital digital clubbing. Last evaluated: 2018-01-12. Review status: criteria provided, single submitter. Criteria: ICSL Variant Classification Criteria 13 December 2019. Collection method: clinical testing. Allele origin: germline.
Comment: This variant was observed in the ICSL laboratory as part of a predisposition screen in an ostensibly healthy population. It had not been previously curated by ICSL or reported in the Human Gene Mutation Database (HGMD: prior to June 1st, 2018), and was therefore a candidate for classification through an automated scoring system. Utilizing variant allele frequency, disease prevalence and penetrance estimates, and inheritance mode, an automated score was calculated to assess if this variant is too frequent to cause the disease. Based on the score and internal cut-off values, a variant classified as likely benign is not then subjected to further curation. The score for this variant resulted in a classification of likely benign for this disease.

Illumina Laboratory Services, Illumina
Classification: Likely benign for Hypertrophic osteoarthropathy, primary, autosomal recessive, 1. Last evaluated: 2018-01-12. Review status: criteria provided, single submitter. Criteria: ICSL Variant Classification Criteria 13 December 2019. Collection method: clinical testing. Allele origin: germline.
Comment: the same text as in the submission from Illumina Laboratory Services, Illumina above.